The following is an entry in ClinVar:

ClinVar aggregate classification (germline): Uncertain significance (1 of 4 stars; one submission).

Allele frequency attached by ClinVar (database versions not stated): gnomAD exomes below 0.00001.
gnomAD v4.1: 3 of 1,613,978 alleles (0.00019%); highest among the groups gnomAD compares: South Asian, 0.0011%; no homozygotes.

Submission:

Labcorp Genetics (formerly Invitae), Labcorp
Classification: Uncertain significance. Last evaluated: 2025-10-29. Review status: criteria provided, single submitter. Criteria: Invitae Variant Classification Sherloc (09022015). Collection method: clinical testing. Allele origin: germline.
Comment: This sequence change replaces asparagine, which is neutral and polar, with serine, which is neutral and polar, at codon 240 of the TECTA protein (p.Asn240Ser). This variant is not present in population databases (gnomAD no frequency). This missense change has been observed in individual(s) with deafness (internal data). It has also been observed to segregate with disease in related individuals. ClinVar contains an entry for this variant (Variation ID: 2818306). Invitae Evidence Modeling of protein sequence and biophysical properties (such as structural, functional, and spatial information, amino acid conservation, physicochemical variation, residue mobility, and thermodynamic stability) indicates that this missense variant is not expected to disrupt TECTA protein function with a negative predictive value of 95%. In summary, the available evidence is currently insufficient to determine the role of this variant in disease. Therefore, it has been classified as a Variant of Uncertain Significance.

NM_005422.4(TECTA):c.719A>G (p.Asn240Ser)

Genes: TBCEL-TECTA (TBCEL-TECTA readthrough; plus strand), TECTA (tectorin alpha; plus strand). Cytogenetic location: 11q23.3.
Variant type: single nucleotide variant.
Coding change: c.719A>G on transcript NM_005422.4 (MANE Select); coding-DNA position 719, A replaced by G.
Protein change: p.Asn240Ser; replaces asparagine 240 with serine.
Molecular consequence: missense variant.
Genome position (GRCh38, 1-based): chr11:121,113,647, A>G. VCF-style: chr11-121113647-A-G. GRCh37 (hg19) VCF-style: chr11-120984356-A-G.
Other names: c.1676A>G, p.Asn559Ser (NM_001378761.1); short protein forms N240S, N559S.
Identifiers: ClinVar variation 2818306 (VCV002818306.3), dbSNP rs2496897832, ClinGen allele CA383023344.